The following is an entry in ClinVar:

NM_006231.4(POLE):c.3582+2T>C

Gene: POLE (DNA polymerase epsilon, catalytic subunit; minus strand). Cytogenetic location: 12q24.33.
Variant type: single nucleotide variant.
Coding change: c.3582+2T>C on transcript NM_006231.4 (MANE Select); the canonical splice donor site of the intron after coding-DNA position 3582, T replaced by C.
Molecular consequence: splice donor variant.
Genome position (GRCh38, 1-based): chr12:132,657,134, A>G on the plus strand (T>C on the coding strand, the complement: POLE is on the minus strand). VCF-style: chr12-132657134-A-G. GRCh37 (hg19) VCF-style: chr12-133233720-A-G.
Identifiers: ClinVar variation 2769334 (VCV002769334.3), dbSNP rs2042560955, ClinGen allele CA387388270.

ClinVar aggregate classification (germline): Likely pathogenic (1 of 4 stars; one submission).

Allele frequency attached by ClinVar (database versions not stated): TOPMed below 0.00001; gnomAD 0.00001.
gnomAD v4.1: 1 of 1,613,626 alleles (0.000062%); highest among the groups gnomAD compares: Non-Finnish European, 0.000085%; no homozygotes.

Submission:

Labcorp Genetics (formerly Invitae), Labcorp
Classification: Likely pathogenic. Last evaluated: 2023-10-17. Review status: criteria provided, single submitter. Criteria: Invitae Variant Classification Sherloc (09022015). Collection method: clinical testing. Allele origin: germline.
Comment: This sequence change affects a donor splice site in intron 29 of the POLE gene. It is expected to disrupt RNA splicing. Variants that disrupt the donor or acceptor splice site typically lead to a loss of protein function (PMID: 16199547), and loss-of-function variants in POLE are known to be pathogenic (PMID: 23230001, 25948378, 30503519). This variant is not present in population databases (gnomAD no frequency). This variant has not been reported in the literature in individuals affected with POLE-related conditions. Algorithms developed to predict the effect of sequence changes on RNA splicing suggest that this variant may disrupt the consensus splice site. In summary, the currently available evidence indicates that the variant is pathogenic, but additional data are needed to prove that conclusively. Therefore, this variant has been classified as Likely Pathogenic.

Literature cited by the submitters: PubMed 16199547; PubMed 23230001; PubMed 25948378; PubMed 30503519.